The following is an entry in ClinVar:

NM_001130987.2(DYSF):c.3570_3571del (p.Phe1190_Ser1191insTer)

Gene: DYSF (dysferlin; plus strand). Cytogenetic location: 2p13.2.
Variant type: Deletion.
Coding change: c.3570_3571del on transcript NM_001130987.2 (MANE Select); coding-DNA positions 3570 to 3571, 2 bases deleted (TT; older notation c.3570_3571delTT).
Protein change: p.Phe1190_Ser1191insTer.
Molecular consequence: frameshift variant.
Genome position (GRCh38, 1-based): chr2:71,590,284-71,590,285, TT deleted; deleting any 2 consecutive bases within chr2:71,590,281-71,590,285 gives the same sequence; the c. name uses the placement nearest the transcript's 3' end. VCF-style (leftmost placement, unchanged base first): chr2-71590280-CTT-C. GRCh37 (hg19) VCF-style: chr2-71817410-CTT-C.
Other names: c.3516_3517delTT (NM_003494.4); c.3519_3520del, p.Phe1173_Ser1174insTer (NM_001130455.2, NM_001130983.2); c.3474_3475del, p.Phe1158_Ser1159insTer (NM_001130976.2, NM_001130977.2); c.3516_3517del, p.Phe1172_Ser1173insTer (NM_001130978.2, NM_003494.4); c.3609_3610del, p.Phe1203_Ser1204insTer (NM_001130979.2); c.3567_3568del, p.Phe1189_Ser1190insTer (NM_001130980.2, NM_001130981.2); c.3612_3613del, p.Phe1204_Ser1205insTer (NM_001130982.2); c.3477_3478del, p.Phe1159_Ser1160insTer (NM_001130984.2, NM_001130986.2); and 1 more.
Identifiers: ClinVar variation 217226 (VCV000217226.21), dbSNP rs766341386, ClinGen allele CA279106.

ClinVar aggregate classification (germline): Pathogenic. Review status: criteria provided, multiple submitters, no conflicts (2 of 4 stars). 8 submissions from 8 submitters: Pathogenic (8). Last evaluated 2024-11-25.

Conditions:
Autosomal recessive limb-girdle muscular dystrophy. Identifiers: Orphanet 102015, MedGen C2931907, MONDO:0015152.
Distal myopathy with anterior tibial onset. Identifiers: Orphanet 178400, MedGen C1847532, MONDO:0011721, OMIM 606768.
Miyoshi muscular dystrophy 1 (MMD1). Identifiers: Orphanet 45448, MedGen C4551973, MONDO:0024545, OMIM 254130.
Autosomal recessive limb-girdle muscular dystrophy type 2B (LGMDR2). Also called: Limb-girdle muscular dystrophy, type 2B; Limb-Girdle Muscular Dystrophy Type 2B (LGMD2B); MUSCULAR DYSTROPHY, LIMB-GIRDLE, TYPE 3; MUSCULAR DYSTROPHY, LIMB-GIRDLE, AUTOSOMAL RECESSIVE 2. Identifiers: Orphanet 268, MedGen C1850889, MONDO:0009676, OMIM 253601.
Neuromuscular disease caused by qualitative or quantitative defects of dysferlin. Also called: Dysferlinopathy; Qualitative or quantitative defects of dysferlin. Identifiers: Orphanet 207073, MedGen C2931687, MONDO:0016145.

Submissions (8):

Labcorp Genetics (formerly Invitae), Labcorp
Classification: Pathogenic for Neuromuscular disease caused by qualitative or quantitative defects of dysferlin. Last evaluated: 2024-11-25. Review status: criteria provided, single submitter. Criteria: Invitae Variant Classification Sherloc (09022015). Collection method: clinical testing. Allele origin: germline.
Comment: This sequence change creates a premature translational stop signal (p.Ser1173*) in the DYSF gene. It is expected to result in an absent or disrupted protein product. Loss-of-function variants in DYSF are known to be pathogenic (PMID: 17698709, 20301480). This variant is present in population databases (rs763230414, gnomAD 0.006%). This premature translational stop signal has been observed in individual(s) with dysferlinopathy (PMID: 16010686, 17562833, 17698709, 20544924, 21522182, 22616201, 25591676, 27229680, 27858744, 28403181). In at least one individual the data is consistent with being in trans (on the opposite chromosome) from a pathogenic variant. ClinVar contains an entry for this variant (Variation ID: 217226). For these reasons, this variant has been classified as Pathogenic.

Natera, Inc.
Classification: Pathogenic for Limb-girdle muscular dystrophy type 2B. Last evaluated: 2024-04-24. Review status: criteria provided, single submitter. Criteria: Natera Variant Classification Schema (03/2026). Collection method: clinical testing. Allele origin: germline.
Comment: The c.3516_3517delTT variant in DYSF is a frameshift variant predicted to shift the reading frame and introduce a stop codon. This variant is expected to result in nonsense mediated decay, truncation, or a dysfunctional protein product. This variant is rare in the general population with a frequency below the threshold expected for the associated phenotype(s). This variant has been observed in one or more individuals affected with the associated recessive disease, as either homozygous or compound heterozygous with a second variant (PMID: 27647186). Given the available evidence, this variant is classified as Pathogenic.

Fulgent Genetics
Classification: Pathogenic for Autosomal recessive limb-girdle muscular dystrophy type 2B; Miyoshi muscular dystrophy 1; Distal myopathy with anterior tibial onset. Last evaluated: 2024-02-10. Review status: criteria provided, single submitter. Criteria: ACMG Guidelines, 2015. Collection method: clinical testing. Allele origin: germline.

Baylor Genetics
Classification: Pathogenic for Miyoshi muscular dystrophy 1. Last evaluated: 2023-12-23. Review status: criteria provided, single submitter. Criteria: ACMG Guidelines, 2015. Collection method: clinical testing. Allele origin: unknown.

Women's Health and Genetics/Laboratory Corporation of America, LabCorp
Classification: Pathogenic for Autosomal recessive limb-girdle muscular dystrophy. Last evaluated: 2023-02-20. Review status: criteria provided, single submitter. Criteria: LabCorp Variant Classification Summary - May 2015. Collection method: clinical testing. Allele origin: germline.
Comment: Variant summary: DYSF c.3516_3517delTT (p.Ser1173X) results in a premature termination codon, predicted to cause a truncation of the encoded protein or absence of the protein due to nonsense mediated decay, which are commonly known mechanisms for disease. The variant allele was found at a frequency of 2.4e-05 in 251460 control chromosomes (gnomAD). c.3516_3517delTT has been reported in the literature in multiple individuals affected with Limb-Girdle Muscular Dystrophy, Autosomal Recessive (e.g. Rosales_2010, Zhong_2021). These data indicate that the variant is very likely to be associated with disease. To our knowledge, no experimental evidence demonstrating an impact on protein function has been reported. Four clinical diagnostic laboratories have submitted clinical-significance assessments for this variant to ClinVar after 2014, and all laboratories classified the variant as pathogenic. Based on the evidence outlined above, the variant was classified as pathogenic.

Revvity Omics, Revvity
Classification: Pathogenic. Last evaluated: 2021-04-19. Review status: criteria provided, single submitter. Criteria: ACMG Guidelines, 2015. Collection method: clinical testing. Allele origin: germline.

Eurofins Ntd Llc (ga)
Classification: Pathogenic. Last evaluated: 2018-08-10. Review status: criteria provided, single submitter. Criteria: EGL ClinVar v180209 classification definitions. Collection method: clinical testing. Allele origin: germline. Observed: 4 variant alleles, 2 heterozygotes, 2 homozygotes.

Athena Diagnostics
Classification: Pathogenic for Limb-girdle muscular dystrophy, type 2B. Last evaluated: 2012-12-06. Review status: criteria provided, single submitter. Criteria: Athena Diagnostics Criteria. Collection method: clinical testing. Allele origin: germline. Inheritance: Autosomal recessive inheritance.

Literature cited by the submitters: PubMed 17698709 (cited by Labcorp Genetics (formerly Invitae), Labcorp); PubMed 20301480 (cited by Labcorp Genetics (formerly Invitae), Labcorp); PubMed 16010686 (cited by Labcorp Genetics (formerly Invitae), Labcorp); PubMed 17562833 (cited by Labcorp Genetics (formerly Invitae), Labcorp and Athena Diagnostics); PubMed 20544924 (cited by Labcorp Genetics (formerly Invitae), Labcorp and Women's Health and Genetics/Laboratory Corporation of America, LabCorp); PubMed 21522182 (cited by Labcorp Genetics (formerly Invitae), Labcorp); PubMed 22616201 (cited by Labcorp Genetics (formerly Invitae), Labcorp); PubMed 25591676 (cited by Labcorp Genetics (formerly Invitae), Labcorp); PubMed 27229680 (cited by Labcorp Genetics (formerly Invitae), Labcorp); PubMed 27858744 (cited by Labcorp Genetics (formerly Invitae), Labcorp); PubMed 28403181 (cited by Labcorp Genetics (formerly Invitae), Labcorp); PubMed 27647186 (cited by Natera, Inc.); PubMed 34559919 (cited by Women's Health and Genetics/Laboratory Corporation of America, LabCorp).